The following is an entry in ClinVar:

ClinVar aggregate classification (germline): Uncertain significance (1 of 4 stars; one submission).

Conditions:
Multiple acyl-CoA dehydrogenase deficiency (MADD). Also called: ETHYLMALONIC-ADIPICACIDURIA; GA II; Glutaric aciduria, type 2; Glutaric acidemia type II; GA 2; Glutaric Acidemia type 2. Identifiers: Orphanet 26791, MedGen C0268596, MONDO:0009282, OMIM 231680.

Allele frequency attached by ClinVar (database versions not stated): TOPMed 0.00001.

Submission:

Labcorp Genetics (formerly Invitae), Labcorp
Classification: Uncertain significance for Multiple acyl-CoA dehydrogenase deficiency. Last evaluated: 2022-08-01. Review status: criteria provided, single submitter. Criteria: Invitae Variant Classification Sherloc (09022015). Collection method: clinical testing. Allele origin: germline.
Comment: This sequence change replaces alanine, which is neutral and non-polar, with aspartic acid, which is acidic and polar, at codon 109 of the ETFB protein (p.Ala109Asp). This variant is not present in population databases (gnomAD no frequency). This variant has not been reported in the literature in individuals affected with ETFB-related conditions. Advanced modeling of protein sequence and biophysical properties (such as structural, functional, and spatial information, amino acid conservation, physicochemical variation, residue mobility, and thermodynamic stability) performed at Invitae indicates that this missense variant is expected to disrupt ETFB protein function. In summary, the available evidence is currently insufficient to determine the role of this variant in disease. Therefore, it has been classified as a Variant of Uncertain Significance.

NM_001985.3(ETFB):c.326C>A (p.Ala109Asp)

Gene: ETFB (electron transfer flavoprotein subunit beta; minus strand). Cytogenetic location: 19q13.41.
Variant type: single nucleotide variant.
Coding change: c.326C>A on transcript NM_001985.3 (MANE Select); coding-DNA position 326, C replaced by A.
Protein change: p.Ala109Asp; replaces alanine 109 with aspartic acid.
Molecular consequence: missense variant.
Genome position (GRCh38, 1-based): chr19:51,353,181, G>T on the plus strand (C>A on the coding strand, the complement: ETFB is on the minus strand). VCF-style: chr19-51353181-G-T. GRCh37 (hg19) VCF-style: chr19-51856435-G-T.
Other names: c.599C>A, p.Ala200Asp (NM_001014763.1); short protein forms A200D, A109D.
Identifiers: ClinVar variation 1974909 (VCV001974909.2), dbSNP rs1985970646, ClinGen allele CA407082492.